The following is an entry in ClinVar:

ClinVar aggregate classification (germline): Uncertain significance (1 of 4 stars; one submission).

Conditions:
Marfan syndrome (MFS). Also called: MARFAN SYNDROME, TYPE I; Marfan syndrome type 1; Marfan's syndrome; Marfan syndrome, classic; FBN1-Related Marfan Syndrome. Identifiers: Orphanet 284963, Orphanet 558, MedGen C0024796, MONDO:0007947, OMIM 154700.
Familial thoracic aortic aneurysm and aortic dissection (TAAD). Also called: Thoracic aortic aneurysms and dissections. Identifiers: Orphanet 91387, MedGen C4707243, MONDO:0019625.

Allele frequency attached by ClinVar (database versions not stated): gnomAD exomes below 0.00001.
gnomAD v4.1: 2 of 1,613,734 alleles (0.00012%); highest among the groups gnomAD compares: Admixed American, 0.0017%; no homozygotes.

Submission:

Labcorp Genetics (formerly Invitae), Labcorp
Classification: Uncertain significance for Marfan syndrome; Familial thoracic aortic aneurysm and aortic dissection. Last evaluated: 2023-08-14. Review status: criteria provided, single submitter. Criteria: Invitae Variant Classification Sherloc (09022015). Collection method: clinical testing. Allele origin: germline.
Comment: This sequence change replaces threonine, which is neutral and polar, with isoleucine, which is neutral and non-polar, at codon 804 of the FBN1 protein (p.Thr804Ile). This variant is present in population databases (no rsID available, gnomAD 0.003%). This variant has not been reported in the literature in individuals affected with FBN1-related conditions. Advanced modeling of protein sequence and biophysical properties (such as structural, functional, and spatial information, amino acid conservation, physicochemical variation, residue mobility, and thermodynamic stability) has been performed at Invitae for this missense variant, however the output from this modeling did not meet the statistical confidence thresholds required to predict the impact of this variant on FBN1 protein function. In summary, the available evidence is currently insufficient to determine the role of this variant in disease. Therefore, it has been classified as a Variant of Uncertain Significance.

NM_000138.5(FBN1):c.2411C>T (p.Thr804Ile)

Gene: FBN1 (fibrillin 1; minus strand). Cytogenetic location: 15q21.1.
Variant type: single nucleotide variant.
Coding change: c.2411C>T on transcript NM_000138.5 (MANE Select); coding-DNA position 2411, C replaced by T.
Protein change: p.Thr804Ile; replaces threonine 804 with isoleucine.
Molecular consequence: missense variant.
Genome position (GRCh38, 1-based): chr15:48,496,108, G>A on the plus strand (C>T on the coding strand, the complement: FBN1 is on the minus strand). VCF-style: chr15-48496108-G-A. GRCh37 (hg19) VCF-style: chr15-48788305-G-A.
Other names: c.2411C>T, p.Thr804Ile (NM_001406716.1); short protein forms T804I.
Identifiers: ClinVar variation 2931271 (VCV002931271.3), dbSNP rs1220678313, ClinGen allele CA392335117.
Genomic context (GRCh38, chr15:48,496,108, plus strand): 5'-GCATTCCAAAAGATAGCAAAGTACACAGTATAAGAACAAAAATATGGTTTACCTTCACAT[G>A]TTTTTAGATCAGGTTTGTAGATAAATCCCTTGGGGCAGGTACAGACAAAACTTCCAGGAG-3'
Protein context (NP_000129.3, residues 794-814): KGFIYKPDLK[Thr804Ile]CEDIDECESS